The following is an entry in ClinVar:

NM_000051.4(ATM):c.3432G>A (p.Leu1144=)

Gene: ATM (ATM serine/threonine kinase; plus strand). Cytogenetic location: 11q22.3.
Variant type: single nucleotide variant.
Coding change: c.3432G>A on transcript NM_000051.4 (MANE Select); coding-DNA position 3432, G replaced by A.
Protein change: p.Leu1144=; no amino-acid change (leucine 1144 retained).
Molecular consequence: synonymous variant.
Genome position (GRCh38, 1-based): chr11:108,281,024, G>A. VCF-style: chr11-108281024-G-A. GRCh37 (hg19) VCF-style: chr11-108151751-G-A.
Other names: c.3432G>A, p.Leu1144= (NM_001351834.2).
Identifiers: ClinVar variation 407599 (VCV000407599.26), dbSNP rs1060501625, ClinGen allele CA16613036.

ClinVar aggregate classification (germline): Conflicting classifications of pathogenicity. Review status: criteria provided, conflicting classifications (1 of 4 stars). 7 submissions from 7 submitters: Pathogenic (1); Likely pathogenic (3); Uncertain significance (2). 1 of the submissions does not count toward it. Last evaluated 2026-03-25.

Conditions:
Hereditary cancer-predisposing syndrome. Also called: Hereditary neoplastic syndrome; Tumor predisposition; Hereditary Cancer Syndrome; Neoplastic Syndromes, Hereditary. Identifiers: Orphanet 140162, MedGen C0027672, MeSH D009386, MONDO:0015356.
Familial cancer of breast. Also called: hereditary breast carcinoma; Hereditary breast cancer; BREAST CANCER, FAMILIAL. Identifiers: Orphanet 227535, MedGen C0346153, MONDO:0016419, OMIM 114480. Disease mechanism: loss of function.
Ataxia-telangiectasia syndrome (AT). Also called: Ataxia telangiectasia (A-T); Cerebello-oculocutaneous telangiectasia; Immunodeficiency with ataxia telangiectasia; AT, COMPLEMENTATION GROUP C; ATAXIA-TELANGIECTASIA, COMPLEMENTATION GROUP A; ATAXIA-TELANGIECTASIA, FRESNO VARIANT. Identifiers: Orphanet 100, MedGen C0004135, MONDO:0008840, OMIM 208900.

Allele frequency attached by ClinVar (database versions not stated): gnomAD 0.00001; TOPMed 0.00001.
gnomAD v4.1: 2 of 1,612,730 alleles (0.00012%); no homozygotes.

Submissions (7):

Myriad Genetics, Inc.
Classification: Uncertain significance for Familial cancer of breast. Last evaluated: 2026-03-25. Review status: criteria provided, single submitter. Criteria: Myriad Autosomal Dominant, Autosomal Recessive and X-Linked Classification Criteria (2023). Collection method: clinical testing. Allele origin: unknown.
Comment: This variant is classified as a variant of uncertain significance as there is insufficient evidence to determine its impact on protein function and/or cancer risk.

Labcorp Genetics (formerly Invitae), Labcorp
Classification: Pathogenic for Ataxia-telangiectasia syndrome. Last evaluated: 2025-08-22. Review status: criteria provided, single submitter. Criteria: Invitae Variant Classification Sherloc (09022015). Collection method: clinical testing. Allele origin: germline.
Comment: This sequence change affects codon 1144 of the ATM mRNA. It is a 'silent' change, meaning that it does not change the encoded amino acid sequence of the ATM protein. RNA analysis indicates that this variant induces altered splicing and may result in an absent or altered protein product. This variant is not present in population databases (gnomAD no frequency). This variant has been observed in individual(s) with clinical features of ataxia-telangiectasia (internal data). In at least one individual the data is consistent with being in trans (on the opposite chromosome) from a pathogenic variant. ClinVar contains an entry for this variant (Variation ID: 407599). Studies have shown that this variant results in skipping of partial exon 24, and produces a non-functional protein and/or introduces a premature termination codon (internal data). For these reasons, this variant has been classified as Pathogenic.

GeneDx
Classification: Likely pathogenic. Last evaluated: 2025-08-12. Review status: criteria provided, single submitter. Criteria: GeneDx Variant Classification Process June 2021. Collection method: clinical testing. Allele origin: germline.
Comment: RNA studies demonstrate aberrant splicing, resulting in protein truncation or nonsense mediated decay in a gene for which loss-of-function is a known mechanism of disease (External communication with an outside laboratory); Not observed at significant frequency in large population cohorts (gnomAD); Has not been previously published as pathogenic or benign to our knowledge; In silico analysis is inconclusive as to whether the variant alters gene splicing

Ambry Genetics
Classification: Likely pathogenic for Hereditary cancer-predisposing syndrome. Last evaluated: 2025-08-07. Review status: criteria provided, single submitter. Criteria: Ambry Variant Classification Scheme 2023. Collection method: clinical testing. Allele origin: germline.
Comment: The c.3432G>A variant (also known as p.L1144L), located in coding exon 23 of the ATM gene, results from a G to A substitution at nucleotide position 3432. This nucleotide substitution does not change the leucine at codon 1144. This nucleotide position is not well conserved in available vertebrate species. In silico splice site analysis predicts that this alteration may weaken the native splice acceptor site. RNA studies have demonstrated that this alteration results in abnormal splicing in the set of samples tested (Ambry internal data). This variant has been identified in the homozygous state and/or in conjunction with other ATM variant(s) in individual(s) with features consistent with Ataxia telangiectasia; in at least one instance, the variants were identified in trans (external communication). This variant is considered to be rare based on population cohorts in the Genome Aggregation Database (gnomAD). Based on the majority of available evidence to date, this variant is likely to be pathogenic.

Women's Health and Genetics/Laboratory Corporation of America, LabCorp
Classification: Likely pathogenic for Ataxia-telangiectasia syndrome. Last evaluated: 2024-10-28. Review status: criteria provided, single submitter. Criteria: LabCorp Variant Classification Summary - May 2015. Collection method: clinical testing. Allele origin: germline.
Comment: Variant summary: ATM c.3432G>A alters a non-conserved nucleotide resulting in a synonymous change. Consensus agreement among computation tools predict no significant impact on normal splicing. However, internal evidence obtained from patient-derived RNA splicing studies demonstrated that a majority of transcripts with this variant encoded a partial deletion of exon 24, predicted to result in nonsense mediated decay (Labcorp, formerly Invitae). The variant was absent in 251106 control chromosomes. c.3432G>A has been reported in the compound heterozygous state in at least 1 individual affected with breast cancer and clinical features of Ataxia-Telangiectasia (Labcorp, formerly Invitae). ClinVar contains an entry for this variant (Variation ID: 407599). Based on the evidence outlined above, the variant was classified as likely pathogenic.

Color Diagnostics, LLC DBA Color Health
Classification: Uncertain significance for Hereditary cancer-predisposing syndrome. Last evaluated: 2024-03-14. Review status: criteria provided, single submitter. Criteria: ACMG Guidelines, 2015. Collection method: clinical testing. Allele origin: germline.
Comment: This synonymous variant causes a G>A nucleotide change in exon 24 of the ATM gene. This variant has been reported to cause out-of-frame skipping of partial exon 24 by an external laboratory, however, detailed data are not available for review (ClinVar Accession: SCV000546919.9). This variant has been observed in the compound heterozygous state with a pathogenic variant in trans in an individual with clinical symptoms of ataxia-telangiectasia (ClinVar Accession: SCV000546919.9), indicating that this variant contributes to disease. This variant has not been identified in the general population by the Genome Aggregation Database (gnomAD). The available evidence is insufficient to determine the role of this variant in disease conclusively. Therefore, this variant is classified as a Variant of Uncertain Significance.

Natera, Inc.
Classification: Uncertain significance for Ataxia-telangiectasia. Last evaluated: 2021-09-16. Review status: no assertion criteria provided. Collection method: clinical testing. Allele origin: germline. Not counted in ClinVar's aggregate classification.